The following is an entry in ClinVar:

NM_020435.4(GJC2):c.1066C>A (p.Gln356Lys)

Gene: GJC2 (gap junction protein gamma 2; plus strand). Cytogenetic location: 1q42.13.
Variant type: single nucleotide variant.
Coding change: c.1066C>A on transcript NM_020435.4 (MANE Select); coding-DNA position 1066, C replaced by A.
Protein change: p.Gln356Lys; replaces glutamine 356 with lysine.
Molecular consequence: missense variant.
Genome position (GRCh38, 1-based): chr1:228,158,824, C>A. VCF-style: chr1-228158824-C-A. GRCh37 (hg19) VCF-style: chr1-228346525-C-A.
Other names: p.Gln356Lys; short protein forms Q356K.
Identifiers: ClinVar variation 1003085 (VCV001003085.11), dbSNP rs146841026, ClinGen allele CA1430943.

ClinVar aggregate classification (germline): Uncertain significance. Review status: criteria provided, multiple submitters, no conflicts (2 of 4 stars). 3 submissions from 3 submitters: Uncertain significance (3). Last evaluated 2025-09-04.

Conditions:
Spastic paraplegia. Identifiers: MedGen C0037772, HP:0001258.

Allele frequency attached by ClinVar (database versions not stated): ExAC below 0.00001; gnomAD 0.00004 and 0.00009; TOPMed 0.00004; gnomAD exomes 0.00009 and 0.00014; 1000 Genomes Project 0.00020; 1000 Genomes Project 30x 0.00078.

Submissions (3):

Mayo Clinic Laboratories, Mayo Clinic
Classification: Uncertain significance. Last evaluated: 2025-09-04. Review status: criteria provided, single submitter. Criteria: ACMG Guidelines, 2015. Collection method: clinical testing. Allele origin: germline. Observed: 1 variant allele.
Comment: BS1

Labcorp Genetics (formerly Invitae), Labcorp
Classification: Uncertain significance for Spastic paraplegia. Last evaluated: 2025-08-03. Review status: criteria provided, single submitter. Criteria: Invitae Variant Classification Sherloc (09022015). Collection method: clinical testing. Allele origin: germline.
Comment: This sequence change replaces glutamine, which is neutral and polar, with lysine, which is basic and polar, at codon 356 of the GJC2 protein (p.Gln356Lys). The frequency data for this variant in the population databases is considered unreliable, as metrics indicate poor data quality at this position in the gnomAD database. This variant has not been reported in the literature in individuals affected with GJC2-related conditions. ClinVar contains an entry for this variant (Variation ID: 1003085). Invitae Evidence Modeling of protein sequence and biophysical properties (such as structural, functional, and spatial information, amino acid conservation, physicochemical variation, residue mobility, and thermodynamic stability) indicates that this missense variant is not expected to disrupt GJC2 protein function with a negative predictive value of 95%. In summary, the available evidence is currently insufficient to determine the role of this variant in disease. Therefore, it has been classified as a Variant of Uncertain Significance.

Blueprint Genetics
Classification: Uncertain significance. Last evaluated: 2024-11-20. Review status: criteria provided, single submitter. Criteria: ACMG Guidelines, 2015. Collection method: clinical testing. Allele origin: germline.